The following is an entry in ClinVar:

ClinVar aggregate classification (germline): Uncertain significance (1 of 4 stars; one submission).

Conditions:
Congenital myopathy with internal nuclei and atypical cores. Also called: Myopathy, centronuclear, 4. Identifiers: Orphanet 319160, MedGen C4707232, MONDO:0013890, OMIM 614807.

Allele frequency attached by ClinVar (database versions not stated): gnomAD exomes below 0.00001; TOPMed 0.00001.

Submission:

Labcorp Genetics (formerly Invitae), Labcorp
Classification: Uncertain significance for Congenital myopathy with internal nuclei and atypical cores. Last evaluated: 2024-11-22. Review status: criteria provided, single submitter. Criteria: Invitae Variant Classification Sherloc (09022015). Collection method: clinical testing. Allele origin: germline.
Comment: This sequence change replaces histidine, which is basic and polar, with tyrosine, which is neutral and polar, at codon 257 of the CCDC78 protein (p.His257Tyr). This variant is not present in population databases (gnomAD no frequency). This variant has not been reported in the literature in individuals affected with CCDC78-related conditions. ClinVar contains an entry for this variant (Variation ID: 998970). Invitae Evidence Modeling of protein sequence and biophysical properties (such as structural, functional, and spatial information, amino acid conservation, physicochemical variation, residue mobility, and thermodynamic stability) indicates that this missense variant is not expected to disrupt CCDC78 protein function with a negative predictive value of 80%. In summary, the available evidence is currently insufficient to determine the role of this variant in disease. Therefore, it has been classified as a Variant of Uncertain Significance.

NM_001378030.1(CCDC78):c.769C>T (p.His257Tyr)

Gene: CCDC78 (coiled-coil domain containing 78; minus strand). Cytogenetic location: 16p13.3.
Variant type: single nucleotide variant.
Coding change: c.769C>T on transcript NM_001378030.1 (MANE Select); coding-DNA position 769, C replaced by T.
Protein change: p.His257Tyr; replaces histidine 257 with tyrosine.
Molecular consequence: missense variant. On other transcripts: non-coding transcript variant (5).
Genome position (GRCh38, 1-based): chr16:724,506, G>A on the plus strand (C>T on the coding strand, the complement: CCDC78 is on the minus strand). VCF-style: chr16-724506-G-A. GRCh37 (hg19) VCF-style: chr16-774506-G-A.
Other names: c.769C>T, p.His257Tyr (NM_001031737.3, NM_001378031.1); c.202C>T, p.His68Tyr (NM_001378033.1); short protein forms H257Y, H68Y.
Identifiers: ClinVar variation 998970 (VCV000998970.8), dbSNP rs1160240030, ClinGen allele CA394100890.
Genomic context (GRCh38, chr16:724,506, plus strand): 5'-TCGCCTCCAGGAATGTCCGGAGGGCCGTGGTGGCTGGCGCTTGGCCTGCACCATCTGCGT[G>A]CTCCTGGAGGCGGCGGGCTGGGTCCGCATGGGGCCCACCCCCCATCTTTTCCAACCATCC-3'
Protein context (NP_001364959.1, residues 247-267): LQHCAWQAVE[His257Tyr]ADGAGQAPAT